The following is an entry in ClinVar:

NM_001035.3(RYR2):c.9214A>G (p.Met3072Val)

Gene: RYR2 (ryanodine receptor 2; plus strand). Cytogenetic location: 1q43.
Variant type: single nucleotide variant.
Coding change: c.9214A>G on transcript NM_001035.3 (MANE Select); coding-DNA position 9214, A replaced by G.
Protein change: p.Met3072Val; replaces methionine 3072 with valine.
Molecular consequence: missense variant.
Genome position (GRCh38, 1-based): chr1:237,700,314, A>G. VCF-style: chr1-237700314-A-G. GRCh37 (hg19) VCF-style: chr1-237863614-A-G.
Other names: short protein forms M3072V.
Identifiers: ClinVar variation 1766210 (VCV001766210.9), dbSNP rs767091654, ClinGen allele CA087848.

ClinVar aggregate classification (germline): Conflicting classifications of pathogenicity. Review status: criteria provided, conflicting classifications (1 of 4 stars). 5 submissions from 5 submitters: Uncertain significance (4); Likely benign (1). Last evaluated 2026-02-11.

Conditions:
Cardiovascular phenotype. Identifiers: MedGen CN230736.
Cardiomyopathy (CMYO). Also called: Cardiomyopathies. Identifiers: Orphanet 167848, MedGen C0878544, MONDO:0004994, HP:0001638. Inheritance: Various modes of inheritance.
Catecholaminergic polymorphic ventricular tachycardia 1. Also called: VENTRICULAR TACHYCARDIA, CATECHOLAMINERGIC POLYMORPHIC, 1, WITH OR WITHOUT ATRIAL DYSFUNCTION AND/OR DILATED CARDIOMYOPATHY; VENTRICULAR TACHYCARDIA, STRESS-INDUCED POLYMORPHIC 1; RYR2-Related Catecholaminergic Polymorphic Ventricular Tachycardia. Identifiers: Orphanet 3286, MedGen C1631597, MONDO:0011484, OMIM 604772.

Allele frequency attached by ClinVar (database versions not stated): gnomAD exomes below 0.00001; ExAC 0.00002.

Submissions (5):

GeneDx
Classification: Uncertain significance. Last evaluated: 2026-02-11. Review status: criteria provided, single submitter. Criteria: GeneDx Variant Classification Process June 2021. Collection method: clinical testing. Allele origin: germline.
Comment: Not observed at significant frequency in large population cohorts (gnomAD); In silico analysis suggests that this missense variant does not alter protein structure/function; Not located in one of the three hot-spot regions of the RYR2 gene, where the majority of pathogenic missense variants occur (PMID: 19926015); Has not been previously published as pathogenic or benign to our knowledge; This variant is associated with the following publications: (PMID: 19926015)

Labcorp Genetics (formerly Invitae), Labcorp
Classification: Uncertain significance for Catecholaminergic polymorphic ventricular tachycardia 1. Last evaluated: 2025-12-08. Review status: criteria provided, single submitter. Criteria: Invitae Variant Classification Sherloc (09022015). Collection method: clinical testing. Allele origin: germline.
Comment: This sequence change replaces methionine, which is neutral and non-polar, with valine, which is neutral and non-polar, at codon 3072 of the RYR2 protein (p.Met3072Val). This variant is not present in population databases (gnomAD no frequency). This variant has not been reported in the literature in individuals affected with RYR2-related conditions. ClinVar contains an entry for this variant (Variation ID: 1766210). Invitae Evidence Modeling of protein sequence and biophysical properties (such as structural, functional, and spatial information, amino acid conservation, physicochemical variation, residue mobility, and thermodynamic stability) indicates that this missense variant is not expected to disrupt RYR2 protein function with a negative predictive value of 95%. In summary, the available evidence is currently insufficient to determine the role of this variant in disease. Therefore, it has been classified as a Variant of Uncertain Significance.

Color Diagnostics, LLC DBA Color Health
Classification: Uncertain significance for Cardiomyopathy. Last evaluated: 2022-11-16. Review status: criteria provided, single submitter. Criteria: ACMG Guidelines, 2015. Collection method: clinical testing. Allele origin: germline.
Comment: This missense variant replaces methionine with valine at codon 3072 of the RYR2 protein. Computational prediction suggests that this variant may not impact protein structure and function (internally defined REVEL score threshold <= 0.5, PMID: 27666373). To our knowledge, functional studies have not been reported for this variant. This variant has not been reported in individuals affected with RYR2-related disorders in the literature. This variant has been identified in 1/219678 chromosomes in the general population by the Genome Aggregation Database (gnomAD). The available evidence is insufficient to determine the role of this variant in disease conclusively. Therefore, this variant is classified as a Variant of Uncertain Significance.

Blueprint Genetics
Classification: Likely benign. Last evaluated: 2022-10-17. Review status: criteria provided, single submitter. Criteria: ACMG Guidelines, 2015. Collection method: clinical testing. Allele origin: germline.

Ambry Genetics
Classification: Uncertain significance for Cardiovascular phenotype. Last evaluated: 2019-11-20. Review status: criteria provided, single submitter. Criteria: Ambry Variant Classification Scheme 2023. Collection method: clinical testing. Allele origin: germline.
Comment: The p.M3072V variant (also known as c.9214A>G), located in coding exon 65 of the RYR2 gene, results from an A to G substitution at nucleotide position 9214. The methionine at codon 3072 is replaced by valine, an amino acid with highly similar properties. This amino acid position is not well conserved in available vertebrate species, and valine is the reference amino acid in other vertebrate species. In addition, this alteration is predicted to be tolerated by in silico analysis. Since supporting evidence is limited at this time, the clinical significance of this alteration remains unclear.